The following is an entry in ClinVar:

ClinVar aggregate classification (germline): Pathogenic (1 of 4 stars; one submission).

Submission:

CeGaT Center for Human Genetics Tuebingen
Classification: Pathogenic. Last evaluated: 2026-09-01. Review status: criteria provided, single submitter. Criteria: CeGaT Center For Human Genetics Tuebingen Variant Classification Criteria Version 2. Collection method: clinical testing. Allele origin: germline. Affected: yes. Observed: 1 variant allele.
Comment: SATB1: PVS1, PM2

NM_002971.6(SATB1):c.1333C>T (p.Gln445Ter)

Gene: SATB1 (SATB homeobox 1; minus strand). Cytogenetic location: 3p24.3.
Variant type: single nucleotide variant.
Coding change: c.1333C>T on transcript NM_002971.6 (MANE Select); coding-DNA position 1333, C replaced by T.
Protein change: p.Gln445Ter; replaces glutamine 445 with a stop codon.
Molecular consequence: nonsense.
Genome position (GRCh38, 1-based): chr3:18,386,485, G>A on the plus strand (C>T on the coding strand, the complement: SATB1 is on the minus strand). VCF-style: chr3-18386485-G-A. GRCh37 (hg19) VCF-style: chr3-18427977-G-A.
Other names: c.1333C>T, p.Gln445Ter (NM_001131010.4, NM_001195470.3, NM_001322871.2 and 4 more transcripts); c.1117C>T, p.Gln373Ter (NM_001322876.2); short protein forms Q373*, Q445*.
Identifiers: ClinVar variation 5041459 (VCV005041459.1).